The following is an entry in ClinVar:

ClinVar aggregate classification (germline): Uncertain significance (1 of 4 stars; one submission).

Conditions:
Cardiomyopathy (CMYO). Also called: Cardiomyopathies. Identifiers: Orphanet 167848, MedGen C0878544, MONDO:0004994, HP:0001638. Inheritance: Various modes of inheritance.

Allele frequency attached by ClinVar (database versions not stated): TOPMed below 0.00001; gnomAD 0.00001.
gnomAD v4.1: 1 of 1,613,692 alleles (0.000062%); highest among the groups gnomAD compares: African/African-American, 0.0013%; no homozygotes.

Submission:

Color Diagnostics, LLC DBA Color Health
Classification: Uncertain significance for Cardiomyopathy. Last evaluated: 2023-12-04. Review status: criteria provided, single submitter. Criteria: ACMG Guidelines, 2015. Collection method: clinical testing. Allele origin: germline.
Comment: Variant of Uncertain Significance due to insufficient evidence: This missense variant is located in the nucleotide-binding CBS domain 3 of the PRKAG2 protein. Computational prediction tools and conservation analyses are inconclusive regarding the impact of this variant on the protein function. Computational splicing tools suggest that this variant may not impact RNA splicing. To our knowledge, functional assays have not been performed for this variant nor has this variant been reported in individuals affected with cardiovascular disorders in the literature. This variant is rare in the general population and has been identified in 0/277264 chromosomes by the Genome Aggregation Database (gnomAD). Available evidence is insufficient to determine the pathogenicity of this variant conclusively.

NM_016203.4(PRKAG2):c.1621A>G (p.Ile541Val)

Gene: PRKAG2 (protein kinase AMP-activated non-catalytic subunit gamma 2; minus strand). Cytogenetic location: 7q36.1.
Variant type: single nucleotide variant.
Coding change: c.1621A>G on transcript NM_016203.4 (MANE Select); coding-DNA position 1621, A replaced by G.
Protein change: p.Ile541Val; replaces isoleucine 541 with valine.
Molecular consequence: missense variant.
Genome position (GRCh38, 1-based): chr7:151,560,581, T>C on the plus strand (A>G on the coding strand, the complement: PRKAG2 is on the minus strand). VCF-style: chr7-151560581-T-C. GRCh37 (hg19) VCF-style: chr7-151257667-T-C.
Other names: c.1489A>G, p.Ile497Val (NM_001040633.2); c.1246A>G, p.Ile416Val (NM_001304527.2); c.898A>G, p.Ile300Val (NM_001304531.2, NM_024429.2); c.1249A>G, p.Ile417Val (NM_001363698.2); short protein forms I416V, I497V, I300V, I541V, I417V.
Identifiers: ClinVar variation 922643 (VCV000922643.5), dbSNP rs1381567996, ClinGen allele CA370070340.
Genomic context (GRCh38, chr7:151,560,581, plus strand): 5'-TACCTGCTGGTGTGAGGATCAGGGCTTGCAGAATGTCCGACAGGGAAATAATACCCACAA[T>C]ACTATCTGCTTCATTTACCACCACCAGCCGATGGACCTGCAAAGAGAAAAGCAGGACACG-3'
Protein context (NP_057287.2, residues 531-551): RLVVVNEADS[Ile541Val]VGIISLSDIL